The following is an entry in ClinVar:

ClinVar aggregate classification (germline): Uncertain significance (1 of 4 stars; one submission).

gnomAD v4.1: 2 of 1,208,371 alleles (0.00017%); highest among the groups gnomAD compares: African/African-American, 0.0035%; no homozygotes.

Submission:

Labcorp Genetics (formerly Invitae), Labcorp
Classification: Uncertain significance. Last evaluated: 2024-10-21. Review status: criteria provided, single submitter. Criteria: Invitae Variant Classification Sherloc (09022015). Collection method: clinical testing. Allele origin: germline.
Comment: This sequence change replaces proline, which is neutral and non-polar, with arginine, which is basic and polar, at codon 741 of the OPHN1 protein (p.Pro741Arg). This variant is present in population databases (no rsID available, gnomAD 0.03%), and has an allele count higher than expected for a pathogenic variant. This variant has not been reported in the literature in individuals affected with OPHN1-related conditions. An algorithm developed to predict the effect of missense changes on protein structure and function (PolyPhen-2) suggests that this variant is likely to be disruptive. In summary, the available evidence is currently insufficient to determine the role of this variant in disease. Therefore, it has been classified as a Variant of Uncertain Significance.

NM_002547.3(OPHN1):c.2222C>G (p.Pro741Arg)

Gene: OPHN1 (oligophrenin 1; minus strand). Cytogenetic location: Xq12.
Variant type: single nucleotide variant.
Coding change: c.2222C>G on transcript NM_002547.3 (MANE Select); coding-DNA position 2222, C replaced by G.
Protein change: p.Pro741Arg; replaces proline 741 with arginine.
Molecular consequence: missense variant.
Genome position (GRCh38, 1-based): chrX:68,053,747, G>C on the plus strand (C>G on the coding strand, the complement: OPHN1 is on the minus strand). VCF-style: chrX-68053747-G-C. GRCh37 (hg19) VCF-style: chrX-67273589-G-C.
Other names: short protein forms P741R.
Identifiers: ClinVar variation 3700497 (VCV003700497.2).
Genomic context (GRCh38, chrX:68,053,747, plus strand): 5'-GGCTTTGGTTCTGGCTTTTGGGGAGTAGCTGCCCGGCAGGGAGGATCTGGGGGCCTCACT[G>C]GGGGGCGGATGATGGTTGGCTTTTCTCCTGGAGGCCGCACTTTGCTGAAACTGTCAGCAT-3'
Protein context (NP_002538.1, residues 731-751): PGEKPTIIRP[Pro741Arg]VRPPDPPCRA